The following is an entry in ClinVar:

ClinVar aggregate classification (germline): Uncertain significance (1 of 4 stars; one submission).

Conditions:
Ellis-van Creveld syndrome (EVC). Also called: EVC-Related Ellis-van Creveld Syndrome; EVC2-Related Ellis-van Creveld Syndrome; MESOECTODERMAL DYSPLASIA; Chondroectodermal dysplasia. Identifiers: Orphanet 289, MedGen C0013903, MONDO:0009162, OMIM 225500.
Curry-Hall syndrome (WAD). Also called: WEYERS ACRODENTAL DYSOSTOSIS. Identifiers: Orphanet 952, MedGen C0457013, MONDO:0008673, OMIM 193530.

gnomAD v4.1: 3 of 1,492,004 alleles (0.0002%); highest among the groups gnomAD compares: Middle Eastern, 0.019%; no homozygotes.

Submission:

Labcorp Genetics (formerly Invitae), Labcorp
Classification: Uncertain significance for Curry-Hall syndrome; Ellis-van Creveld syndrome. Last evaluated: 2024-03-15. Review status: criteria provided, single submitter. Criteria: Invitae Variant Classification Sherloc (09022015). Collection method: clinical testing. Allele origin: germline.
Comment: This sequence change replaces arginine, which is basic and polar, with glycine, which is neutral and non-polar, at codon 48 of the EVC2 protein (p.Arg48Gly). This variant is not present in population databases (gnomAD no frequency). This variant has not been reported in the literature in individuals affected with EVC2-related conditions. An algorithm developed to predict the effect of missense changes on protein structure and function (PolyPhen-2) suggests that this variant is likely to be tolerated. In summary, the available evidence is currently insufficient to determine the role of this variant in disease. Therefore, it has been classified as a Variant of Uncertain Significance.

NM_147127.5(EVC2):c.142C>G (p.Arg48Gly)

Gene: EVC2 (EvC ciliary complex subunit 2; minus strand). Cytogenetic location: 4p16.2.
Variant type: single nucleotide variant.
Coding change: c.142C>G on transcript NM_147127.5 (MANE Select); coding-DNA position 142, C replaced by G.
Protein change: p.Arg48Gly; replaces arginine 48 with glycine.
Molecular consequence: missense variant. On other transcripts: intron variant (1).
Genome position (GRCh38, 1-based): chr4:5,708,372, G>C on the plus strand (C>G on the coding strand, the complement: EVC2 is on the minus strand). VCF-style: chr4-5708372-G-C. GRCh37 (hg19) VCF-style: chr4-5710099-G-C.
Other names: c.-13+457C>G (NM_001166136.2); short protein forms R48G.
Identifiers: ClinVar variation 3750474 (VCV003750474.2).